The following is an entry in ClinVar:

NM_004588.5(SCN2B):c.290A>G (p.Asp97Gly)

Gene: SCN2B (sodium voltage-gated channel beta subunit 2; minus strand). Cytogenetic location: 11q23.3.
Variant type: single nucleotide variant.
Coding change: c.290A>G on transcript NM_004588.5 (MANE Select); coding-DNA position 290, A replaced by G.
Protein change: p.Asp97Gly; replaces aspartic acid 97 with glycine.
Molecular consequence: missense variant.
Genome position (GRCh38, 1-based): chr11:118,168,243, T>C on the plus strand (A>G on the coding strand, the complement: SCN2B is on the minus strand). VCF-style: chr11-118168243-T-C. GRCh37 (hg19) VCF-style: chr11-118038958-T-C.
Other names: short protein forms D97G.
Identifiers: ClinVar variation 2745826 (VCV002745826.3), dbSNP rs2497600885, ClinGen allele CA382785262.
Genomic context (GRCh38, chr11:118,168,243, plus strand): 5'-ACGTTTCTCAGCATCACCGACACATCGTACTTGCTGGGGTTCCCTGAGAACTCCACGCGG[T>C]CTTGAAACCGCTCCAGCTTCAGGTTAATGATCTTCATGCGGAACTGGAGGAACTGGGGTT-3'
Protein context (NP_004579.1, residues 87-107): IINLKLERFQ[Asp97Gly]RVEFSGNPSK

ClinVar aggregate classification (germline): Uncertain significance (1 of 4 stars; one submission).

Conditions:
Atrial fibrillation, familial, 14 (ATFB14). Identifiers: MedGen C3809312, MONDO:0014156, OMIM 615378.

Submission:

Labcorp Genetics (formerly Invitae), Labcorp
Classification: Uncertain significance for Atrial fibrillation, familial, 14. Last evaluated: 2023-07-22. Review status: criteria provided, single submitter. Criteria: Invitae Variant Classification Sherloc (09022015). Collection method: clinical testing. Allele origin: germline.
Comment: In summary, the available evidence is currently insufficient to determine the role of this variant in disease. Therefore, it has been classified as a Variant of Uncertain Significance. An algorithm developed to predict the effect of missense changes on protein structure and function (PolyPhen-2) suggests that this variant is likely to be disruptive. This variant has not been reported in the literature in individuals affected with SCN2B-related conditions. This variant is not present in population databases (gnomAD no frequency). This sequence change replaces aspartic acid, which is acidic and polar, with glycine, which is neutral and non-polar, at codon 97 of the SCN2B protein (p.Asp97Gly).